The following is an entry in ClinVar:

NM_004655.4(AXIN2):c.1940A>G (p.Glu647Gly)

Gene: AXIN2 (axin 2; minus strand). Cytogenetic location: 17q24.1.
Variant type: single nucleotide variant.
Coding change: c.1940A>G on transcript NM_004655.4 (MANE Select); coding-DNA position 1940, A replaced by G.
Protein change: p.Glu647Gly; replaces glutamic acid 647 with glycine.
Molecular consequence: missense variant.
Genome position (GRCh38, 1-based): chr17:65,536,521, T>C on the plus strand (A>G on the coding strand, the complement: AXIN2 is on the minus strand). VCF-style: chr17-65536521-T-C. GRCh37 (hg19) VCF-style: chr17-63532639-T-C.
Other names: c.1745A>G, p.Glu582Gly (NM_001363813.1); short protein forms E647G, E582G.
Identifiers: ClinVar variation 3470185 (VCV003470185.1).

ClinVar aggregate classification (germline): Uncertain significance (1 of 4 stars; one submission).

Conditions:
Hereditary cancer-predisposing syndrome. Also called: Tumor predisposition; Neoplastic Syndromes, Hereditary; Hereditary neoplastic syndrome; Hereditary Cancer Syndrome. Identifiers: Orphanet 140162, MedGen C0027672, MeSH D009386, MONDO:0015356.

Submission:

Ambry Genetics
Classification: Uncertain significance for Hereditary cancer-predisposing syndrome. Last evaluated: 2024-08-01. Review status: criteria provided, single submitter. Criteria: Ambry Variant Classification Scheme 2023. Collection method: clinical testing. Allele origin: germline.
Comment: The p.E647G variant (also known as c.1940A>G), located in coding exon 7 of the AXIN2 gene, results from an A to G substitution at nucleotide position 1940. The glutamic acid at codon 647 is replaced by glycine, an amino acid with similar properties. This amino acid position is conserved. In addition, this alteration is predicted to be tolerated by in silico analysis. Based on the available evidence, the clinical significance of this variant remains unclear.